The following is an entry in ClinVar:

NM_000368.5(TSC1):c.1584C>T (p.Gly528=)

Gene: TSC1 (TSC complex subunit 1; minus strand). Cytogenetic location: 9q34.13.
Variant type: single nucleotide variant.
Coding change: c.1584C>T on transcript NM_000368.5 (MANE Select); coding-DNA position 1584, C replaced by T.
Protein change: p.Gly528=; no amino-acid change (glycine 528 retained).
Molecular consequence: synonymous variant.
Genome position (GRCh38, 1-based): chr9:132,905,994, G>A on the plus strand (C>T on the coding strand, the complement: TSC1 is on the minus strand). VCF-style: chr9-132905994-G-A. GRCh37 (hg19) VCF-style: chr9-135781381-G-A.
Other names: c.1581C>T, p.Gly527= (NM_001162426.2); c.1431C>T, p.Gly477= (NM_001162427.2); c.1221C>T, p.Gly407= (NM_001362177.2).
Identifiers: ClinVar variation 64759 (VCV000064759.23), dbSNP rs149439187, ClinGen allele CA005098.

ClinVar aggregate classification (germline): Benign/Likely benign. Review status: criteria provided, multiple submitters, no conflicts (2 of 4 stars). 9 submissions from 9 submitters: Benign (3); Likely benign (4). 2 of the submissions do not count toward it. Last evaluated 2025-11-25.

Conditions:
TSC1-related disorder. Also called: TSC1-related condition.
Hereditary cancer-predisposing syndrome. Also called: Tumor predisposition; Neoplastic Syndromes, Hereditary; Hereditary neoplastic syndrome; Hereditary Cancer Syndrome. Identifiers: Orphanet 140162, MedGen C0027672, MeSH D009386, MONDO:0015356.
Tuberous sclerosis syndrome (TSC). Also called: Tuberous Sclerosis Complex; Tuberous sclerosis. Identifiers: Orphanet 805, MedGen C0041341, MONDO:0001734.
Tuberous sclerosis 1 (TSC1). Identifiers: Orphanet 805, MedGen C1854465, MONDO:0008612, OMIM 191100.

Allele frequency attached by ClinVar (database versions not stated): gnomAD 0.00002 and 0.00003; gnomAD exomes 0.00002 and 0.00003; TOPMed 0.00002; ExAC 0.00003; ESP Exome Variant Server 0.00008.
gnomAD v4.1: 57 of 1,613,956 alleles (0.0035%); highest among the groups gnomAD compares: South Asian, 0.0055%; no homozygotes.

Submissions (9):

Labcorp Genetics (formerly Invitae), Labcorp
Classification: Benign for Tuberous sclerosis 1. Last evaluated: 2025-11-25. Review status: criteria provided, single submitter. Criteria: Invitae Variant Classification Sherloc (09022015). Collection method: clinical testing. Allele origin: germline.

Myriad Genetics, Inc.
Classification: Benign for Tuberous sclerosis 1. Last evaluated: 2025-04-10. Review status: criteria provided, single submitter. Criteria: Myriad Autosomal Dominant, Autosomal Recessive and X-Linked Classification Criteria (2023). Collection method: clinical testing. Allele origin: unknown.
Comment: This variant is considered benign. This variant is a silent/synonymous amino acid change and it is not expected to impact splicing.

Color Diagnostics, LLC DBA Color Health
Classification: Likely benign for Tuberous sclerosis syndrome. Last evaluated: 2022-11-06. Review status: criteria provided, single submitter. Criteria: ACMG Guidelines, 2015. Collection method: clinical testing. Allele origin: germline.

Genome-Nilou Lab
Classification: Benign for Tuberous sclerosis 1. Last evaluated: 2021-11-07. Review status: criteria provided, single submitter. Criteria: ACMG Guidelines, 2015. Collection method: clinical testing. Allele origin: germline. Affected: no.

Blueprint Genetics
Classification: Likely benign. Last evaluated: 2020-04-07. Review status: criteria provided, single submitter. Criteria: ACMG Guidelines, 2015. Collection method: clinical testing. Allele origin: germline.

GeneDx
Classification: Likely benign. Last evaluated: 2016-03-18. Review status: criteria provided, single submitter. Criteria: GeneDx Variant Classification (06012015). Collection method: clinical testing. Allele origin: germline. Affected: yes.
Comment: This variant is considered likely benign or benign based on one or more of the following criteria: it is a conservative change, it occurs at a poorly conserved position in the protein, it is predicted to be benign by multiple in silico algorithms, and/or has population frequency not consistent with disease.

Ambry Genetics
Classification: Likely benign for Hereditary cancer-predisposing syndrome. Last evaluated: 2015-05-13. Review status: criteria provided, single submitter. Criteria: Ambry Variant Classification Scheme 2023. Collection method: clinical testing. Allele origin: germline.

PreventionGenetics, part of Exact Sciences
Classification: Likely benign for TSC1-related condition. Last evaluated: 2021-01-20. Review status: no assertion criteria provided. Collection method: clinical testing. Allele origin: germline. Not counted in ClinVar's aggregate classification.
Comment: This variant is classified as likely benign based on ACMG/AMP sequence variant interpretation guidelines (Richards et al. 2015 PMID: 25741868, with internal and published modifications).

Tuberous sclerosis database (TSC1)
No classification provided. Condition: TSC. Review status: no classification provided. Criteria: Tuberous Sclerosis Database Assertion Criteria 2015. Collection method: curation. Allele origin: germline. Affected: yes. Not counted in ClinVar's aggregate classification.